The following is an entry in ClinVar:

ClinVar aggregate classification (germline): Likely benign (1 of 4 stars; one submission).

Allele frequency attached by ClinVar (database versions not stated): ExAC 0.00004; gnomAD exomes 0.00004; TOPMed 0.00005; ESP Exome Variant Server 0.00008; gnomAD 0.00008; 1000 Genomes Project 30x 0.00016; 1000 Genomes Project 0.00020.
gnomAD v4.1: 78 of 1,613,690 alleles (0.0048%); highest among the groups gnomAD compares: South Asian, 0.021%; no homozygotes.

Submission:

CeGaT Center for Human Genetics Tuebingen
Classification: Likely benign. Last evaluated: 2023-02-01. Review status: criteria provided, single submitter. Criteria: CeGaT Center For Human Genetics Tuebingen Variant Classification Criteria Version 2. Collection method: clinical testing. Allele origin: germline. Affected: yes. Observed: 1 variant allele.
Comment: SRPRA: BP4, BP7

NM_003139.4(SRPRA):c.1260C>T (p.Val420=)

Gene: SRPRA (SRP receptor subunit alpha; minus strand). Cytogenetic location: 11q24.2.
Variant type: single nucleotide variant.
Coding change: c.1260C>T on transcript NM_003139.4 (MANE Select); coding-DNA position 1260, C replaced by T.
Protein change: p.Val420=; no amino-acid change (valine 420 retained).
Molecular consequence: synonymous variant.
Genome position (GRCh38, 1-based): chr11:126,265,319, G>A on the plus strand (C>T on the coding strand, the complement: SRPRA is on the minus strand). VCF-style: chr11-126265319-G-A. GRCh37 (hg19) VCF-style: chr11-126135214-G-A.
Other names: c.1176C>T, p.Val392= (NM_001177842.2).
Identifiers: ClinVar variation 2642525 (VCV002642525.24), dbSNP rs367950847, ClinGen allele CA6353412.